The following is an entry in ClinVar:

NM_001384140.1(PCDH15):c.2903A>G (p.Asp968Gly)

Gene: PCDH15 (protocadherin related 15; minus strand). Cytogenetic location: 10q21.1.
Variant type: single nucleotide variant.
Coding change: c.2903A>G on transcript NM_001384140.1 (MANE Select); coding-DNA position 2903, A replaced by G.
Protein change: p.Asp968Gly; replaces aspartic acid 968 with glycine.
Molecular consequence: missense variant.
Genome position (GRCh38, 1-based): chr10:53,961,858, T>C on the plus strand (A>G on the coding strand, the complement: PCDH15 is on the minus strand). VCF-style: chr10-53961858-T-C. GRCh37 (hg19) VCF-style: chr10-55721618-T-C.
Other names: c.2918A>G, p.Asp973Gly (NM_001142763.2, NM_001142771.2); c.2903A>G, p.Asp968Gly (NM_001142764.2, NM_001142766.2, NM_001142770.3 and 4 more transcripts); c.2690A>G, p.Asp897Gly (NM_001142765.2); c.2792A>G, p.Asp931Gly (NM_001142767.2); c.2837A>G, p.Asp946Gly (NM_001142768.2, NM_001142773.2, NM_001354404.2); c.2939A>G, p.Asp980Gly (NM_001142769.4); c.2924A>G, p.Asp975Gly (NM_001354411.2); short protein forms D897G, D931G, D973G, D975G, D946G, D968G, D980G.
Identifiers: ClinVar variation 2129767 (VCV002129767.1), dbSNP rs2088361801, ClinGen allele CA376521861.

ClinVar aggregate classification (germline): Uncertain significance (1 of 4 stars; one submission).

Submission:

Labcorp Genetics (formerly Invitae), Labcorp
Classification: Uncertain significance. Last evaluated: 2022-04-23. Review status: criteria provided, single submitter. Criteria: Invitae Variant Classification Sherloc (09022015). Collection method: clinical testing. Allele origin: germline.
Comment: This sequence change replaces aspartic acid, which is acidic and polar, with glycine, which is neutral and non-polar, at codon 968 of the PCDH15 protein (p.Asp968Gly). This variant is not present in population databases (gnomAD no frequency). This variant has not been reported in the literature in individuals affected with PCDH15-related conditions. Algorithms developed to predict the effect of missense changes on protein structure and function are either unavailable or do not agree on the potential impact of this missense change (SIFT: "Deleterious"; PolyPhen-2: "Benign"; Align-GVGD: "Class C0"). In summary, the available evidence is currently insufficient to determine the role of this variant in disease. Therefore, it has been classified as a Variant of Uncertain Significance.